The following is an entry in ClinVar:

ClinVar aggregate classification (germline): Uncertain significance (1 of 4 stars; one submission).

Submission:

GeneDx
Classification: Uncertain significance. Last evaluated: 2019-12-02. Review status: criteria provided, single submitter. Criteria: GeneDx Variant Classification Process June 2021. Collection method: clinical testing. Allele origin: germline. Affected: yes.
Comment: Not observed in large population cohorts (Lek et al., 2016); In silico analysis, which includes protein predictors and evolutionary conservation, supports a deleterious effect; Has not been previously published as pathogenic or benign to our knowledge

NM_001271.4(CHD2):c.1691A>T (p.Tyr564Phe)

Gene: CHD2 (chromodomain helicase DNA binding protein 2; plus strand). Cytogenetic location: 15q26.1.
Variant type: single nucleotide variant.
Coding change: c.1691A>T on transcript NM_001271.4 (MANE Select); coding-DNA position 1691, A replaced by T.
Protein change: p.Tyr564Phe; replaces tyrosine 564 with phenylalanine.
Molecular consequence: missense variant.
Genome position (GRCh38, 1-based): chr15:92,953,545, A>T. VCF-style: chr15-92953545-A-T. GRCh37 (hg19) VCF-style: chr15-93496775-A-T.
Other names: short protein forms Y564F.
Identifiers: ClinVar variation 1310942 (VCV001310942.2), dbSNP rs2141811685, ClinGen allele CA393905370.